The following is an entry in ClinVar:

NM_001303473.2(GPR146):c.222G>C (p.Leu74=)

Genes: CHLSN (cholesin; minus strand), GPR146 (G protein-coupled receptor 146; plus strand). Cytogenetic location: 7p22.3.
Variant type: single nucleotide variant.
Coding change: c.222G>C on transcript NM_001303473.2 (MANE Select); coding-DNA position 222, G replaced by C.
Protein change: p.Leu74=; no amino-acid change (leucine 74 retained).
Molecular consequence: synonymous variant. On other transcripts: intron variant (7).
Genome position (GRCh38, 1-based): chr7:1,057,737, G>C. VCF-style: chr7-1057737-G-C. GRCh37 (hg19) VCF-style: chr7-1097373-G-C.
Other names: c.222G>C, p.Leu74= (NM_001303474.2, NM_138445.4); c.130-47594C>G (NM_001424326.1, NM_001424325.1, NM_001134396.1 and 4 more transcripts).
Identifiers: ClinVar variation 2657176 (VCV002657176.24), dbSNP rs1262885390, ClinGen allele CA453618318.
Genomic context (GRCh38, chr7:1,057,737, plus strand): 5'-CAGCAAGGCCAGCATGACCATGCCGGACGTGTACTTTGTCAACATGGCAGTGGCAGGCCT[G>C]GTGCTCAGCGCCCTGGCCCCTGTGCACCTGCTCGGCCCCCCGAGCTCCCGGTGGGCGCTG-3'
Protein context (NP_001290402.1, residues 64-84): VYFVNMAVAG[Leu74=]VLSALAPVHL

ClinVar aggregate classification (germline): Likely benign (1 of 4 stars; one submission).

Submission:

CeGaT Center for Human Genetics Tuebingen
Classification: Likely benign. Last evaluated: 2022-10-01. Review status: criteria provided, single submitter. Criteria: CeGaT Center For Human Genetics Tuebingen Variant Classification Criteria Version 2. Collection method: clinical testing. Allele origin: germline. Affected: yes. Observed: 1 variant allele.
Comment: GPR146: PM2:Supporting, BP4, BP7